The following is an entry in ClinVar:

ClinVar aggregate classification (germline): Benign/Likely benign. Review status: criteria provided, multiple submitters, no conflicts (2 of 4 stars). 4 submissions from 2 submitters: Benign (3); Likely benign (1). Last evaluated 2025-10-22.

Conditions:
Pallister-Hall syndrome (PHS). Also called: HYPOTHALAMIC HAMARTOBLASTOMA, HYPOPITUITARISM, IMPERFORATE ANUS, AND POSTAXIAL POLYDACTYLY; GLI3-Related Pallister-Hall Syndrome. Identifiers: Orphanet 672, MedGen C0265220, MONDO:0007804, OMIM 146510.
Greig cephalopolysyndactyly syndrome (GCPS). Also called: POLYSYNDACTYLY WITH PECULIAR SKULL SHAPE; Greig syndrome; GLI3-Related Greig Cephalopolysyndactyly Syndrome. Identifiers: Orphanet 380, MedGen C0265306, MONDO:0008287, OMIM 175700.
Polydactyly. Also called: polydactylism. Identifiers: MedGen C0152427, MONDO:0021003, OMIM 603596, HP:0010442.

Allele frequency attached by ClinVar (database versions not stated): gnomAD 0.00001; ExAC 0.00002; gnomAD exomes 0.00002; TOPMed 0.00002.
gnomAD v4.1: 10 of 1,614,086 alleles (0.00062%); highest among the groups gnomAD compares: East Asian, 0.0067%; no homozygotes.

Submissions (4):

Labcorp Genetics (formerly Invitae), Labcorp
Classification: Likely benign for Pallister-Hall syndrome; Greig cephalopolysyndactyly syndrome. Last evaluated: 2025-10-22. Review status: criteria provided, single submitter. Criteria: Invitae Variant Classification Sherloc (09022015). Collection method: clinical testing. Allele origin: germline.

Illumina Laboratory Services, Illumina
Classification: Benign for Pallister-Hall syndrome. Last evaluated: 2018-01-13. Review status: criteria provided, single submitter. Criteria: ICSL Variant Classification Criteria 13 December 2019. Collection method: clinical testing. Allele origin: germline.
Comment: This variant was observed in the ICSL laboratory as part of a predisposition screen in an ostensibly healthy population. It had not been previously curated by ICSL or reported in the Human Gene Mutation Database (HGMD: prior to June 1st, 2018), and was therefore a candidate for classification through an automated scoring system. Utilizing variant allele frequency, disease prevalence and penetrance estimates, and inheritance mode, an automated score was calculated to assess if this variant is too frequent to cause the disease. Based on the score and internal cut-off values, a variant classified as benign is not then subjected to further curation. The score for this variant resulted in a classification of benign for this disease.

Illumina Laboratory Services, Illumina
Classification: Benign for Polydactyly. Last evaluated: 2018-01-13. Review status: criteria provided, single submitter. Criteria: ICSL Variant Classification Criteria 13 December 2019. Collection method: clinical testing. Allele origin: germline.
Comment: the same text as in the submission from Illumina Laboratory Services, Illumina above.

Illumina Laboratory Services, Illumina
Classification: Benign for Greig cephalopolysyndactyly syndrome. Last evaluated: 2018-01-13. Review status: criteria provided, single submitter. Criteria: ICSL Variant Classification Criteria 13 December 2019. Collection method: clinical testing. Allele origin: germline.
Comment: the same text as in the submission from Illumina Laboratory Services, Illumina above.

NM_000168.6(GLI3):c.4356G>A (p.Gln1452=)

Gene: GLI3 (GLI family zinc finger 3; minus strand). Cytogenetic location: 7p14.1.
Variant type: single nucleotide variant.
Coding change: c.4356G>A on transcript NM_000168.6 (MANE Select); coding-DNA position 4356, G replaced by A.
Protein change: p.Gln1452=; no amino-acid change (glutamine 1452 retained).
Molecular consequence: synonymous variant.
Genome position (GRCh38, 1-based): chr7:41,964,717, C>T on the plus strand (G>A on the coding strand, the complement: GLI3 is on the minus strand). VCF-style: chr7-41964717-C-T. GRCh37 (hg19) VCF-style: chr7-42004315-C-T.
Identifiers: ClinVar variation 360224 (VCV000360224.9), dbSNP rs377535957, ClinGen allele CA4230146.